The following is an entry in ClinVar:

NM_000143.4(FH):c.1109-12del

Gene: FH (fumarate hydratase; minus strand). Cytogenetic location: 1q43.
Variant type: Deletion.
Coding change: c.1109-12del on transcript NM_000143.4 (MANE Select); 12 bases into the intron before coding-DNA position 1109, one base deleted (G; older notation c.1109-12delG).
Molecular consequence: intron variant.
Genome position (GRCh38, 1-based): chr1:241,502,582, C deleted on the plus strand (G on the coding strand, the reverse complement: FH is on the minus strand); the first of 2 consecutive C bases (chr1:241,502,582-241,502,583); deleting either gives the same sequence. VCF-style (leftmost placement, unchanged base first): chr1-241502581-AC-A. GRCh37 (hg19) VCF-style: chr1-241665881-AC-A.
Identifiers: ClinVar variation 1692234 (VCV001692234.2), dbSNP rs2147915059, ClinGen allele CA2573132916.

ClinVar aggregate classification (germline): Conflicting classifications of pathogenicity. Review status: criteria provided, conflicting classifications (1 of 4 stars). 2 submissions from 2 submitters: Uncertain significance (1); Likely benign (1). Last evaluated 2024-10-21.

Conditions:
Hereditary cancer-predisposing syndrome. Also called: Tumor predisposition; Neoplastic Syndromes, Hereditary; Hereditary Cancer Syndrome; Hereditary neoplastic syndrome. Identifiers: Orphanet 140162, MedGen C0027672, MeSH D009386, MONDO:0015356.
Hereditary leiomyomatosis and renal cell cancer. Also called: LEIOMYOMA, MULTIPLE CUTANEOUS; MULTIPLE CUTANEOUS AND UTERINE LEIOMYOMATA 1, WITH OR WITHOUT RENAL CELL CARCINOMA; FH tumor predisposition syndrome; Reed syndrome; Multiple cutaneous and uterine leiomyomatosis; Cutaneous leiomyomata with uterine leiomyomata. Identifiers: Orphanet 523, MedGen C1708350, MONDO:0007888, OMIM 150800, HP:0007437. Disease mechanism: loss of function.

Submissions (2):

Myriad Genetics, Inc.
Classification: Likely benign for Hereditary leiomyomatosis and renal cell cancer. Last evaluated: 2024-10-21. Review status: criteria provided, single submitter. Criteria: Myriad Autosomal Dominant, Autosomal Recessive and X-Linked Classification Criteria (2023). Collection method: clinical testing. Allele origin: unknown.
Comment: This variant is considered likely benign. This variant is intronic and is not expected to impact mRNA splicing.

Sema4
Classification: Uncertain significance for Hereditary cancer-predisposing syndrome. Last evaluated: 2022-02-15. Review status: criteria provided, single submitter. Criteria: Sema4 Curation Guidelines. Collection method: curation. Allele origin: germline.
Comment: The FH c.1109-12delG variant has not been reported in the literature to our knowledge. This variant is not reported in the Genome Aggregation Database (PMID: 32461654) nor in ClinVar. In silico tools suggest the variant does not affect normal splicing, though these predictions have not been confirmed by functional studies. The evidence is insufficient to meet ACMG/AMP criteria for classifying the variant as benign or pathogenic. Thus, the clinical significance of this variant is currently uncertain.